The following is an entry in ClinVar:

NM_003183.6(ADAM17):c.2014A>G (p.Ile672Val)

Genes: IAH1 (isoamyl acetate hydrolyzing esterase 1 (putative); plus strand), ADAM17 (ADAM metallopeptidase domain 17; minus strand). Cytogenetic location: 2p25.1.
Variant type: single nucleotide variant.
Coding change: c.2014A>G on transcript NM_003183.6 (MANE Select); coding-DNA position 2014, A replaced by G.
Protein change: p.Ile672Val; replaces isoleucine 672 with valine.
Molecular consequence: missense variant.
Genome position (GRCh38, 1-based): chr2:9,492,966, T>C on the plus strand (A>G on the coding strand, the complement: ADAM17 is on the minus strand). VCF-style: chr2-9492966-T-C. GRCh37 (hg19) VCF-style: chr2-9633095-T-C.
Other names: c.1354A>G, p.Ile452Val (NM_001382777.1); c.1117A>G, p.Ile373Val (NM_001382778.1); short protein forms I373V, I452V, I672V.
Identifiers: ClinVar variation 1045053 (VCV001045053.6), dbSNP rs1298570790, ClinGen allele CA345796110.

ClinVar aggregate classification (germline): Uncertain significance (1 of 4 stars; one submission).

Conditions:
Inflammatory skin and bowel disease, neonatal, 1. Identifiers: Orphanet 294023, MedGen C3280501, MONDO:0013693, OMIM 614328.

Allele frequency attached by ClinVar (database versions not stated): gnomAD exomes below 0.00001; TOPMed below 0.00001.
gnomAD v4.1: 6 of 1,611,566 alleles (0.00037%); highest among the groups gnomAD compares: African/African-American, 0.0013%; no homozygotes.

Submission:

Labcorp Genetics (formerly Invitae), Labcorp
Classification: Uncertain significance for Inflammatory skin and bowel disease, neonatal, 1. Last evaluated: 2022-07-19. Review status: criteria provided, single submitter. Criteria: Invitae Variant Classification Sherloc (09022015). Collection method: clinical testing. Allele origin: germline.
Comment: In summary, the available evidence is currently insufficient to determine the role of this variant in disease. Therefore, it has been classified as a Variant of Uncertain Significance. Algorithms developed to predict the effect of missense changes on protein structure and function are either unavailable or do not agree on the potential impact of this missense change (SIFT: "Not Available"; PolyPhen-2: "Possibly Damaging"; Align-GVGD: "Not Available"). ClinVar contains an entry for this variant (Variation ID: 1045053). This variant has not been reported in the literature in individuals affected with ADAM17-related conditions. This variant is present in population databases (no rsID available, gnomAD 0.007%). This sequence change replaces isoleucine, which is neutral and non-polar, with valine, which is neutral and non-polar, at codon 672 of the ADAM17 protein (p.Ile672Val).